The following is an entry in ClinVar:

NM_005609.4(PYGM):c.193G>A (p.Val65Met)

Gene: PYGM (glycogen phosphorylase, muscle associated; minus strand). Cytogenetic location: 11q13.1.
Variant type: single nucleotide variant.
Coding change: c.193G>A on transcript NM_005609.4 (MANE Select); coding-DNA position 193, G replaced by A.
Protein change: p.Val65Met; replaces valine 65 with methionine.
Molecular consequence: missense variant.
Genome position (GRCh38, 1-based): chr11:64,759,706, C>T on the plus strand (G>A on the coding strand, the complement: PYGM is on the minus strand). VCF-style: chr11-64759706-C-T. GRCh37 (hg19) VCF-style: chr11-64527178-C-T.
Other names: c.193G>A, p.Val65Met (NM_001164716.1); short protein forms V65M.
Identifiers: ClinVar variation 990059 (VCV000990059.6), dbSNP rs149658961, ClinGen allele CA6080349.
Genomic context (GRCh38, chr11:64,759,706, plus strand): 5'-CCAGCAGCACCTTGGGGTCCTTCTCATAGTAGTGCTGCTGCGTGCGGATCCAGCGCCCCA[C>T]GAGGTGGTCGCGCACGGTATGGGCCAGAGCAAAGTAGTAGTCTCGTGGGGTGGCCACATT-3'
Protein context (NP_005600.1, residues 55-75): ALAHTVRDHL[Val65Met]GRWIRTQQHY

ClinVar aggregate classification (germline): Uncertain significance. Review status: criteria provided, multiple submitters, no conflicts (2 of 4 stars). 4 submissions from 4 submitters: Uncertain significance (3). 1 of the submissions does not count toward it. Last evaluated 2024-03-08.

Conditions:
Glycogen storage disease, type V (GSD5). Also called: PYGM DEFICIENCY; McArdle type glycogen storage disease; MCARDLE DISEASE; MUSCLE GLYCOGEN PHOSPHORYLASE DEFICIENCY; MYOPHOSPHORYLASE DEFICIENCY. Identifiers: Orphanet 368, MedGen C0017924, MONDO:0009293, OMIM 232600.

Allele frequency attached by ClinVar (database versions not stated): gnomAD 0.00005 and 0.00006; ESP Exome Variant Server 0.00008; TOPMed 0.00010; 1000 Genomes Project 30x 0.00016; 1000 Genomes Project 0.00020.
gnomAD v4.1: 206 of 1,614,154 alleles (0.013%); highest among the groups gnomAD compares: Non-Finnish European, 0.016%; no homozygotes.

Submissions (4):

Fulgent Genetics
Classification: Uncertain significance for Glycogen storage disease, type V. Last evaluated: 2024-03-08. Review status: criteria provided, single submitter. Criteria: ACMG Guidelines, 2015. Collection method: clinical testing. Allele origin: germline.

Revvity Omics, Revvity
Classification: Uncertain significance for Glycogen storage disease, type V. Last evaluated: 2023-12-01. Review status: criteria provided, single submitter. Criteria: ACMG Guidelines, 2015. Collection method: clinical testing. Allele origin: germline.

Labcorp Genetics (formerly Invitae), Labcorp
Classification: Uncertain significance for Glycogen storage disease, type V. Last evaluated: 2022-07-12. Review status: criteria provided, single submitter. Criteria: Invitae Variant Classification Sherloc (09022015). Collection method: clinical testing. Allele origin: germline.
Comment: This sequence change replaces valine, which is neutral and non-polar, with methionine, which is neutral and non-polar, at codon 65 of the PYGM protein (p.Val65Met). This variant is present in population databases (rs149658961, gnomAD 0.01%). This variant has not been reported in the literature in individuals affected with PYGM-related conditions. ClinVar contains an entry for this variant (Variation ID: 990059). Algorithms developed to predict the effect of missense changes on protein structure and function are either unavailable or do not agree on the potential impact of this missense change (SIFT: "Not Available"; PolyPhen-2: "Benign"; Align-GVGD: "Not Available"). In summary, the available evidence is currently insufficient to determine the role of this variant in disease. Therefore, it has been classified as a Variant of Uncertain Significance.

Natera, Inc.
Classification: Uncertain significance for Glycogen storage disease V. Last evaluated: 2020-04-14. Review status: no assertion criteria provided. Collection method: clinical testing. Allele origin: germline. Not counted in ClinVar's aggregate classification.